The following is an entry in ClinVar:

ClinVar aggregate classification (germline): Likely benign. Review status: criteria provided, single submitter (1 of 4 stars). 2 submissions from 2 submitters: Likely benign (1). 1 of the submissions does not count toward it. Last evaluated 2025-10-03.

Conditions:
Short-rib thoracic dysplasia 10 with or without polydactyly (SRTD10). Identifiers: Orphanet 474, MedGen C3810175, MONDO:0014284, OMIM 615630.
Retinitis pigmentosa 71 (RP71). Identifiers: Orphanet 791, MedGen C4225342, MONDO:0014618, OMIM 616394.
IFT172-related disorder. Also called: IFT172-related condition; IFT172-related disorders.

Allele frequency attached by ClinVar (database versions not stated): gnomAD exomes below 0.00001 and 0.00001.
gnomAD v4.1: 6 of 1,613,458 alleles (0.00037%); highest among the groups gnomAD compares: East Asian, 0.0022%; no homozygotes.

Submissions (2):

Labcorp Genetics (formerly Invitae), Labcorp
Classification: Likely benign for Retinitis pigmentosa 71; Short-rib thoracic dysplasia 10 with or without polydactyly. Last evaluated: 2025-10-03. Review status: criteria provided, single submitter. Criteria: Invitae Variant Classification Sherloc (09022015). Collection method: clinical testing. Allele origin: germline.

PreventionGenetics, part of Exact Sciences
Classification: Likely benign for IFT172-related condition. Last evaluated: 2024-05-10. Review status: no assertion criteria provided. Collection method: clinical testing. Allele origin: germline. Not counted in ClinVar's aggregate classification.
Comment: This variant is classified as likely benign based on ACMG/AMP sequence variant interpretation guidelines (Richards et al. 2015 PMID: 25741868, with internal and published modifications).

NM_015662.3(IFT172):c.5010C>T (p.Tyr1670=)

Genes: IFT172 (intraflagellar transport 172; minus strand), KRTCAP3 (keratinocyte associated protein 3; plus strand). Cytogenetic location: 2p23.3.
Variant type: single nucleotide variant.
Coding change: c.5010C>T on transcript NM_015662.3 (MANE Select); coding-DNA position 5010, C replaced by T.
Protein change: p.Tyr1670=; no amino-acid change (tyrosine 1670 retained).
Molecular consequence: synonymous variant. On other transcripts: intron variant (1).
Genome position (GRCh38, 1-based): chr2:27,445,354, G>A on the plus strand (C>T on the coding strand, the complement: IFT172 is on the minus strand). VCF-style: chr2-27445354-G-A. GRCh37 (hg19) VCF-style: chr2-27668221-G-A.
Other names: c.4944C>T, p.Tyr1648= (NM_001410739.1); c.*6-947G>A (NM_001168364.2).
Identifiers: ClinVar variation 1082322 (VCV001082322.11), dbSNP rs1459018703, ClinGen allele CA425412246.